The following is an entry in ClinVar:

ClinVar aggregate classification (germline): Benign. Review status: criteria provided, multiple submitters, no conflicts (2 of 4 stars). 3 submissions from 3 submitters: Benign (2). 1 of the submissions does not count toward it. Last evaluated 2018-11-12.

Conditions:
NECTIN3-related disorder. Also called: NECTIN3-related condition.

Allele frequency attached by ClinVar (database versions not stated): ExAC 0.02083; 1000 Genomes Project 30x 0.05934; 1000 Genomes Project 0.06410; TOPMed 0.02812; gnomAD exomes 0.03164.
gnomAD v4.1: 24,949 of 1,535,170 alleles (1.6%); highest among the groups gnomAD compares: East Asian, 21%; 1,267 homozygotes.

Submissions (3):

GeneDx
Classification: Benign. Last evaluated: 2018-11-12. Review status: criteria provided, single submitter. Criteria: GeneDx Variant Classification Process June 2021. Collection method: clinical testing. Allele origin: germline. Affected: yes.

Breakthrough Genomics
Classification: Benign. Review status: criteria provided, single submitter. Criteria: ACMG Guidelines, 2015. Collection method: not provided. Allele origin: germline. Inheritance: Unknown mechanism. Affected: yes.

PreventionGenetics, part of Exact Sciences
Classification: Benign for NECTIN3-related condition. Last evaluated: 2019-09-23. Review status: no assertion criteria provided. Collection method: clinical testing. Allele origin: germline. Not counted in ClinVar's aggregate classification.
Comment: This variant is classified as benign based on ACMG/AMP sequence variant interpretation guidelines (Richards et al. 2015 PMID: 25741868, with internal and published modifications).

NM_001243288.2(NECTIN3):c.1110A>C (p.Arg370=)

Gene: NECTIN3 (nectin cell adhesion molecule 3; plus strand). Cytogenetic location: 3q13.13.
Variant type: single nucleotide variant.
Coding change: c.1110A>C on transcript NM_001243288.2; coding-DNA position 1110, A replaced by C.
Protein change: p.Arg370=; no amino-acid change (arginine 370 retained).
Molecular consequence: synonymous variant.
Genome position (GRCh38, 1-based): chr3:111,145,008, A>C. VCF-style: chr3-111145008-A-C. GRCh37 (hg19) VCF-style: chr3-110863855-A-C.
Identifiers: ClinVar variation 1238252 (VCV001238252.8), dbSNP rs3733174, ClinGen allele CA2534000.